The following is an entry in ClinVar:

ClinVar aggregate classification (germline): Uncertain significance (1 of 4 stars; one submission).

Submission:

Labcorp Genetics (formerly Invitae), Labcorp
Classification: Uncertain significance. Last evaluated: 2022-07-13. Review status: criteria provided, single submitter. Criteria: Invitae Variant Classification Sherloc (09022015). Collection method: clinical testing. Allele origin: germline.
Comment: In summary, the available evidence is currently insufficient to determine the role of this variant in disease. Therefore, it has been classified as a Variant of Uncertain Significance. Variants that disrupt the consensus splice site are a relatively common cause of aberrant splicing (PMID: 17576681, 9536098). Algorithms developed to predict the effect of sequence changes on RNA splicing suggest that this variant is not likely to affect RNA splicing. This variant has not been reported in the literature in individuals affected with ORC4-related conditions. This variant is not present in population databases (gnomAD no frequency). This sequence change falls in intron 6 of the ORC4 gene. It does not directly change the encoded amino acid sequence of the ORC4 protein. It affects a nucleotide within the consensus splice site.

Literature cited by the submitters: PubMed 17576681; PubMed 9536098.

NM_181741.4(ORC4):c.387+3A>G

Gene: ORC4 (origin recognition complex subunit 4; minus strand). Cytogenetic location: 2q23.1.
Variant type: single nucleotide variant.
Coding change: c.387+3A>G on transcript NM_181741.4 (MANE Select); 3 bases into the intron after coding-DNA position 387, A replaced by G.
Molecular consequence: intron variant.
Genome position (GRCh38, 1-based): chr2:147,958,295, T>C on the plus strand (A>G on the coding strand, the complement: ORC4 is on the minus strand). VCF-style: chr2-147958295-T-C. GRCh37 (hg19) VCF-style: chr2-148715864-T-C.
Other names: c.387+3A>G (NM_181742.4, NM_001190879.3, NM_002552.5 and 1 more transcripts); c.135+3A>G (NM_001190881.3, NM_001374272.1); c.165+3A>G (NM_001190882.3).
Identifiers: ClinVar variation 1966677 (VCV001966677.5), dbSNP rs2467941178, ClinGen allele CA2580063842.